The following is an entry in ClinVar:

NM_172362.3(KCNH1):c.72del (p.Ser25fs)

Gene: KCNH1 (potassium voltage-gated channel subfamily H member 1; minus strand). Cytogenetic location: 1q32.2.
Variant type: Deletion.
Coding change: c.72del on transcript NM_172362.3 (MANE Select); coding-DNA position 72, one base deleted (G; older notation c.72delG).
Protein change: p.Ser25fs; shifts the reading frame from serine 25.
Molecular consequence: frameshift variant.
Genome position (GRCh38, 1-based): chr1:211,133,874, C deleted on the plus strand (G on the coding strand, the reverse complement: KCNH1 is on the minus strand); the first of 2 consecutive C bases (chr1:211,133,874-211,133,875); deleting either gives the same sequence. VCF-style (leftmost placement, unchanged base first): chr1-211133873-AC-A. GRCh37 (hg19) VCF-style: chr1-211307215-AC-A.
Other names: c.72del, p.Ser25fs (NM_002238.4); short protein forms S25fs.
Identifiers: ClinVar variation 2753084 (VCV002753084.3), dbSNP rs2526917180, ClinGen allele CA2697554871.

ClinVar aggregate classification (germline): Uncertain significance (1 of 4 stars; one submission).

Submission:

Labcorp Genetics (formerly Invitae), Labcorp
Classification: Uncertain significance. Last evaluated: 2023-08-16. Review status: criteria provided, single submitter. Criteria: Invitae Variant Classification Sherloc (09022015). Collection method: clinical testing. Allele origin: germline.
Comment: In summary, the available evidence is currently insufficient to determine the role of this variant in disease. Therefore, it has been classified as a Variant of Uncertain Significance. This variant has not been reported in the literature in individuals affected with KCNH1-related conditions. This variant is not present in population databases (gnomAD no frequency). This sequence change creates a premature translational stop signal (p.Ser25Profs*13) in the KCNH1 gene. It is expected to result in an absent or disrupted protein product. However, the current clinical and genetic evidence is not sufficient to establish whether loss-of-function variants in KCNH1 cause disease.